The following is an entry in ClinVar:

NM_000368.5(TSC1):c.2093T>G (p.Leu698Arg)

Gene: TSC1 (TSC complex subunit 1; minus strand). Cytogenetic location: 9q34.13.
Variant type: single nucleotide variant.
Coding change: c.2093T>G on transcript NM_000368.5 (MANE Select); coding-DNA position 2093, T replaced by G.
Protein change: p.Leu698Arg; replaces leucine 698 with arginine.
Molecular consequence: missense variant.
Genome position (GRCh38, 1-based): chr9:132,903,766, A>C on the plus strand (T>G on the coding strand, the complement: TSC1 is on the minus strand). VCF-style: chr9-132903766-A-C. GRCh37 (hg19) VCF-style: chr9-135779153-A-C.
Other names: c.2090T>G, p.Leu697Arg (NM_001162426.2); c.1940T>G, p.Leu647Arg (NM_001162427.2); c.1730T>G, p.Leu577Arg (NM_001362177.2); short protein forms L698R, L697R, L647R, L577R.
Identifiers: ClinVar variation 64741 (VCV000064741.3), dbSNP rs397514802, ClinGen allele CA005940.

ClinVar aggregate classification (germline): Uncertain significance. Review status: criteria provided, single submitter (1 of 4 stars). 2 submissions from 2 submitters: Uncertain significance (1). 1 of the submissions does not count toward it. Last evaluated 2024-01-17.

Conditions:
Hereditary cancer-predisposing syndrome. Also called: Neoplastic Syndromes, Hereditary; Tumor predisposition; Hereditary neoplastic syndrome; Hereditary Cancer Syndrome. Identifiers: Orphanet 140162, MedGen C0027672, MeSH D009386, MONDO:0015356.
Tuberous sclerosis syndrome (TSC). Also called: Tuberous sclerosis; Tuberous Sclerosis Complex. Identifiers: Orphanet 805, MedGen C0041341, MONDO:0001734.

Submissions (2):

Ambry Genetics
Classification: Uncertain significance for Hereditary cancer-predisposing syndrome. Last evaluated: 2024-01-17. Review status: criteria provided, single submitter. Criteria: Ambry Variant Classification Scheme 2023. Collection method: clinical testing. Allele origin: germline.
Comment: The p.L698R variant (also known as c.2093T>G), located in coding exon 15 of the TSC1 gene, results from a T to G substitution at nucleotide position 2093. The leucine at codon 698 is replaced by arginine, an amino acid with dissimilar properties. A functional study reported that this variant was probably neutral in a transfection-based immunoblot assay of S6 phosphorylation (Hoogeveen-Westerveld M et al. Hum Mutat, 2012 Mar;33:476-9). This amino acid position is well conserved in available vertebrate species. In addition, this alteration is predicted to be deleterious by in silico analysis. Based on the available evidence, the clinical significance of this alteration remains unclear.

Tuberous sclerosis database (TSC1)
No classification provided. Condition: TSC. Review status: no classification provided. Criteria: Tuberous Sclerosis Database Assertion Criteria 2015. Collection method: curation. Allele origin: germline. Affected: yes. Not counted in ClinVar's aggregate classification.

Literature cited by the submitters: PubMed 22161988 (cited by Ambry Genetics).